The following is an entry in ClinVar:

NM_002471.4(MYH6):c.4650+6G>A

Gene: MYH6 (myosin heavy chain 6; minus strand). Cytogenetic location: 14q11.2.
Variant type: single nucleotide variant.
Coding change: c.4650+6G>A on transcript NM_002471.4 (MANE Select); 6 bases into the intron after coding-DNA position 4650, G replaced by A.
Molecular consequence: intron variant.
Genome position (GRCh38, 1-based): chr14:23,387,523, C>T on the plus strand (G>A on the coding strand, the complement: MYH6 is on the minus strand). VCF-style: chr14-23387523-C-T. GRCh37 (hg19) VCF-style: chr14-23856732-C-T.
Identifiers: ClinVar variation 1472920 (VCV001472920.6), dbSNP rs754290268, ClinGen allele CA7114700.

ClinVar aggregate classification (germline): Uncertain significance (1 of 4 stars; one submission).

Conditions:
Hypertrophic cardiomyopathy 14. Identifiers: MedGen C2750467, MONDO:0013197, OMIM 613251.

Allele frequency attached by ClinVar (database versions not stated): gnomAD exomes below 0.00001 and 0.00001; ExAC 0.00001.
gnomAD v4.1: 2 of 1,613,216 alleles (0.00012%); highest among the groups gnomAD compares: South Asian, 0.0022%; no homozygotes.

Submission:

Labcorp Genetics (formerly Invitae), Labcorp
Classification: Uncertain significance for Hypertrophic cardiomyopathy 14. Last evaluated: 2025-10-19. Review status: criteria provided, single submitter. Criteria: Invitae Variant Classification Sherloc (09022015). Collection method: clinical testing. Allele origin: germline.
Comment: This sequence change falls in intron 32 of the MYH6 gene. It does not directly change the encoded amino acid sequence of the MYH6 protein. It affects a nucleotide within the consensus splice site. This variant is present in population databases (rs754290268, gnomAD 0.006%). This variant has not been reported in the literature in individuals affected with MYH6-related conditions. ClinVar contains an entry for this variant (Variation ID: 1472920). Variants that disrupt the consensus splice site are a relatively common cause of aberrant splicing (PMID: 17576681, 9536098). Algorithms developed to predict the effect of sequence changes on RNA splicing suggest that this variant is not likely to affect RNA splicing. In summary, the available evidence is currently insufficient to determine the role of this variant in disease. Therefore, it has been classified as a Variant of Uncertain Significance.

Literature cited by the submitters: PubMed 17576681; PubMed 9536098.